The following is an entry in ClinVar:

ClinVar aggregate classification (germline): Uncertain significance (1 of 4 stars; one submission).

Conditions:
Baller-Gerold syndrome (BGS). Also called: CRANIOSYNOSTOSIS WITH RADIAL DEFECTS. Identifiers: Orphanet 1225, MedGen C0265308, MONDO:0009039, OMIM 218600.

Submission:

Labcorp Genetics (formerly Invitae), Labcorp
Classification: Uncertain significance for Baller-Gerold syndrome. Last evaluated: 2025-02-17. Review status: criteria provided, single submitter. Criteria: Invitae Variant Classification Sherloc (09022015). Collection method: clinical testing. Allele origin: germline.
Comment: This sequence change replaces serine, which is neutral and polar, with glycine, which is neutral and non-polar, at codon 312 of the RECQL4 protein (p.Ser312Gly). This variant is not present in population databases (gnomAD no frequency). This variant has not been reported in the literature in individuals affected with RECQL4-related conditions. ClinVar contains an entry for this variant (Variation ID: 2761091). Invitae Evidence Modeling of protein sequence and biophysical properties (such as structural, functional, and spatial information, amino acid conservation, physicochemical variation, residue mobility, and thermodynamic stability) indicates that this missense variant is not expected to disrupt RECQL4 protein function with a negative predictive value of 80%. In summary, the available evidence is currently insufficient to determine the role of this variant in disease. Therefore, it has been classified as a Variant of Uncertain Significance.

NM_004260.4(RECQL4):c.934A>G (p.Ser312Gly)

Gene: RECQL4 (RecQ like helicase 4; minus strand). Cytogenetic location: 8q24.3.
Variant type: single nucleotide variant.
Coding change: c.934A>G on transcript NM_004260.4 (MANE Select); coding-DNA position 934, A replaced by G.
Protein change: p.Ser312Gly; replaces serine 312 with glycine.
Molecular consequence: missense variant. On other transcripts: 5 prime UTR variant (17), non-coding transcript variant (3).
Genome position (GRCh38, 1-based): chr8:144,516,185, T>C on the plus strand (A>G on the coding strand, the complement: RECQL4 is on the minus strand). VCF-style: chr8-144516185-T-C. GRCh37 (hg19) VCF-style: chr8-145741569-T-C.
Other names: c.934A>G, p.Ser312Gly (NM_001413019.1, NM_001413020.1, NM_001413033.1 and 4 more transcripts); c.-138A>G (NM_001413021.1, NM_001413022.1, NM_001413023.1 and 7 more transcripts); c.583A>G, p.Ser195Gly (NM_001413029.1); c.805A>G, p.Ser269Gly (NM_001413025.1); c.-200A>G (NM_001413027.1, NM_001413030.1, NM_001413031.1 and 2 more transcripts); c.-42A>G (NM_001413034.1); c.-407A>G (NM_001413043.1); short protein forms S269G, S312G, S195G.
Identifiers: ClinVar variation 2761091 (VCV002761091.3), dbSNP rs1814932571, ClinGen allele CA372688631.